The following is an entry in ClinVar:

NM_000088.4(COL1A1):c.3610C>A (p.Pro1204Thr)

Gene: COL1A1 (collagen type I alpha 1 chain; minus strand). Cytogenetic location: 17q21.33.
Variant type: single nucleotide variant.
Coding change: c.3610C>A on transcript NM_000088.4 (MANE Select); coding-DNA position 3610, C replaced by A.
Protein change: p.Pro1204Thr; replaces proline 1204 with threonine.
Molecular consequence: missense variant.
Genome position (GRCh38, 1-based): chr17:50,186,844, G>T on the plus strand (C>A on the coding strand, the complement: COL1A1 is on the minus strand). VCF-style: chr17-50186844-G-T. GRCh37 (hg19) VCF-style: chr17-48264205-G-T.
Other names: short protein forms P1204T.
Identifiers: ClinVar variation 1361541 (VCV001361541.8), dbSNP rs983970706, ClinGen allele CA291542883.

ClinVar aggregate classification (germline): Uncertain significance (1 of 4 stars; one submission).

Conditions:
Osteogenesis imperfecta type I (OI1). Also called: OI, TYPE I; OSTEOGENESIS IMPERFECTA TARDA; OSTEOGENESIS IMPERFECTA WITH BLUE SCLERAE; Osteogenesis imperfecta type 1; Lobstein disease; Classic Non-deforming Osteogenesis Imperfecta with Blue Sclerae. Identifiers: Orphanet 216796, Orphanet 666, MedGen C0023931, MONDO:0008146, OMIM 166200. Disease mechanism: loss of function.

Allele frequency attached by ClinVar (database versions not stated): gnomAD exomes below 0.00001; TOPMed 0.00002.
gnomAD v4.1: 3 of 1,614,176 alleles (0.00019%); highest among the groups gnomAD compares: Non-Finnish European, 0.00017%; no homozygotes.

Submission:

Labcorp Genetics (formerly Invitae), Labcorp
Classification: Uncertain significance for Osteogenesis imperfecta type I. Last evaluated: 2021-05-11. Review status: criteria provided, single submitter. Criteria: Invitae Variant Classification Sherloc (09022015). Collection method: clinical testing. Allele origin: germline.
Comment: In summary, the available evidence is currently insufficient to determine the role of this variant in disease. Therefore, it has been classified as a Variant of Uncertain Significance. Advanced modeling of protein sequence and biophysical properties (such as structural, functional, and spatial information, amino acid conservation, physicochemical variation, residue mobility, and thermodynamic stability) performed at Invitae indicates that this missense variant is not expected to disrupt COL1A1 protein function. This variant has not been reported in the literature in individuals with COL1A1-related conditions. This variant is not present in population databases (ExAC no frequency). This sequence change replaces proline with threonine at codon 1204 of the COL1A1 protein (p.Pro1204Thr). The proline residue is highly conserved and there is a small physicochemical difference between proline and threonine.